The following is an entry in ClinVar:

ClinVar aggregate classification (germline): Uncertain significance. Review status: criteria provided, multiple submitters, no conflicts (2 of 4 stars). 2 submissions from 2 submitters: Uncertain significance (2). Last evaluated 2024-06-05.

Conditions:
Inborn genetic diseases. Identifiers: MedGen C0950123, MeSH D030342.

Allele frequency attached by ClinVar (database versions not stated): TOPMed 0.00003; ExAC 0.00004; gnomAD 0.00004; gnomAD exomes 0.00004 and 0.00010; ESP Exome Variant Server 0.00008.
gnomAD v4.1: 147 of 1,613,874 alleles (0.0091%); highest among the groups gnomAD compares: Non-Finnish European, 0.012%; no homozygotes.

Submissions (2):

Ambry Genetics
Classification: Uncertain significance for Inborn genetic diseases. Last evaluated: 2024-06-05. Review status: criteria provided, single submitter. Criteria: Ambry Variant Classification Scheme 2023. Collection method: clinical testing. Allele origin: germline.

Labcorp Genetics (formerly Invitae), Labcorp
Classification: Uncertain significance. Last evaluated: 2022-02-02. Review status: criteria provided, single submitter. Criteria: Invitae Variant Classification Sherloc (09022015). Collection method: clinical testing. Allele origin: germline.
Comment: In summary, the available evidence is currently insufficient to determine the role of this variant in disease. Therefore, it has been classified as a Variant of Uncertain Significance. Algorithms developed to predict the effect of missense changes on protein structure and function (SIFT, PolyPhen-2, Align-GVGD) all suggest that this variant is likely to be tolerated. This variant has not been reported in the literature in individuals affected with FAT1-related conditions. This variant is present in population databases (rs374816994, gnomAD 0.009%). This sequence change replaces aspartic acid, which is acidic and polar, with asparagine, which is neutral and polar, at codon 4467 of the FAT1 protein (p.Asp4467Asn).

NM_005245.4(FAT1):c.13399G>A (p.Asp4467Asn)

Genes: FAT1 (FAT atypical cadherin 1; minus strand), LOC126807253 (BRD4-independent group 4 enhancer GRCh37_chr4:187509297-187510496; plus strand). Cytogenetic location: 4q35.2.
Variant type: single nucleotide variant.
Coding change: c.13399G>A on transcript NM_005245.4 (MANE Select); coding-DNA position 13399, G replaced by A.
Protein change: p.Asp4467Asn; replaces aspartic acid 4467 with asparagine.
Molecular consequence: missense variant.
Genome position (GRCh38, 1-based): chr4:186,588,960, C>T on the plus strand (G>A on the coding strand, the complement: FAT1 is on the minus strand). VCF-style: chr4-186588960-C-T. GRCh37 (hg19) VCF-style: chr4-187510114-C-T.
Other names: c.13399G>A (NM_005245.3); short protein forms D4467N.
Identifiers: ClinVar variation 1512496 (VCV001512496.9), dbSNP rs374816994, ClinGen allele CA3164539.
Genomic context (GRCh38, chr4:186,588,960, plus strand): 5'-TCAAGTTGAACCTCTGCCGGTTTCTTGATGAAGAACCCAAGCTACCCGCGGCAGGCATGT[C>T]TCTAGGAGGGTGGATGGATTCAAACTGATTGCTGAATTCGGGCGGTAACGGTGGTAGCTC-3'
Protein context (NP_005236.2, residues 4457-4477): NQFESIHPPR[Asp4467Asn]MPAAGSLGSS